The following is an entry in ClinVar:

NM_000038.6(APC):c.5108G>C (p.Gly1703Ala)

Gene: APC (APC regulator of Wnt signaling pathway; plus strand). Cytogenetic location: 5q22.2.
Variant type: single nucleotide variant.
Coding change: c.5108G>C on transcript NM_000038.6 (MANE Select); coding-DNA position 5108, G replaced by C.
Protein change: p.Gly1703Ala; replaces glycine 1703 with alanine.
Molecular consequence: missense variant.
Genome position (GRCh38, 1-based): chr5:112,840,702, G>C. VCF-style: chr5-112840702-G-C. GRCh37 (hg19) VCF-style: chr5-112176399-G-C.
Other names: c.5108G>C, p.Gly1703Ala (NM_001127510.3, NM_001354895.2); c.5054G>C, p.Gly1685Ala (NM_001127511.3); c.5162G>C, p.Gly1721Ala (NM_001354896.2); c.5138G>C, p.Gly1713Ala (NM_001354897.2); c.5033G>C, p.Gly1678Ala (NM_001354898.2); c.5024G>C, p.Gly1675Ala (NM_001354899.2); c.4985G>C, p.Gly1662Ala (NM_001354900.2); c.4931G>C, p.Gly1644Ala (NM_001354901.2); and 5 more; short protein forms G1685A, G1703A, G1577A, G1602A, G1675A, G1678A, G1713A, G1420A.
Identifiers: ClinVar variation 133532 (VCV000133532.31), dbSNP rs587778042, ClinGen allele CA009873.
Genomic context (GRCh38, chr5:112,840,702, plus strand): 5'-AATTTGAAAAACGAGATACCATTCCTACAGAAGGCAGAAGTACAGATGAGGCTCAAGGAG[G>C]AAAAACCTCATCTGTAACCATACCTGAATTGGATGACAATAAAGCAGAGGAAGGTGATAT-3'
Protein context (NP_000029.2, residues 1693-1713): EGRSTDEAQG[Gly1703Ala]KTSSVTIPEL

ClinVar aggregate classification (germline): Uncertain significance. Review status: criteria provided, multiple submitters, no conflicts (2 of 4 stars). 12 submissions from 12 submitters: Uncertain significance (10). 2 of the submissions do not count toward it. Last evaluated 2026-01-14.

Conditions:
Familial adenomatous polyposis 1 (FAP1). Also called: FAMILIAL ADENOMATOUS POLYPOSIS 1, ATTENUATED; POLYPOSIS, ADENOMATOUS INTESTINAL. Identifiers: MedGen C2713442, MONDO:0021056, OMIM 175100. Disease mechanism: loss of function.
Classic or attenuated familial adenomatous polyposis. Identifiers: MedGen CN372698, MONDO:0021057.
Hereditary cancer-predisposing syndrome. Also called: Tumor predisposition; Hereditary neoplastic syndrome; Neoplastic Syndromes, Hereditary; Hereditary Cancer Syndrome. Identifiers: Orphanet 140162, MedGen C0027672, MeSH D009386, MONDO:0015356.

Allele frequency attached by ClinVar (database versions not stated): gnomAD exomes below 0.00001; ExAC 0.00001; gnomAD 0.00001; TOPMed 0.00001.
gnomAD v4.1: 7 of 1,613,922 alleles (0.00043%); highest among the groups gnomAD compares: Admixed American, 0.005%; no homozygotes.

Submissions (12):

Labcorp Genetics (formerly Invitae), Labcorp
Classification: Uncertain significance for Familial adenomatous polyposis 1. Last evaluated: 2026-01-14. Review status: criteria provided, single submitter. Criteria: Invitae Variant Classification Sherloc (09022015). Collection method: clinical testing. Allele origin: germline.
Comment: This sequence change replaces glycine, which is neutral and non-polar, with alanine, which is neutral and non-polar, at codon 1703 of the APC protein (p.Gly1703Ala). This variant is present in population databases (rs587778042, gnomAD 0.0009%). This variant has not been reported in the literature in individuals affected with APC-related conditions. ClinVar contains an entry for this variant (Variation ID: 133532). Invitae Evidence Modeling of protein sequence and biophysical properties (such as structural, functional, and spatial information, amino acid conservation, physicochemical variation, residue mobility, and thermodynamic stability) indicates that this missense variant is not expected to disrupt APC protein function with a negative predictive value of 95%. In summary, the available evidence is currently insufficient to determine the role of this variant in disease. Therefore, it has been classified as a Variant of Uncertain Significance.

Ambry Genetics
Classification: Uncertain significance for Hereditary cancer-predisposing syndrome. Last evaluated: 2025-07-30. Review status: criteria provided, single submitter. Criteria: Ambry Variant Classification Scheme 2023. Collection method: clinical testing. Allele origin: germline.
Comment: The p.G1703A variant (also known as c.5108G>C), located in coding exon 15 of the APC gene, results from a G to C substitution at nucleotide position 5108. The glycine at codon 1703 is replaced by alanine, an amino acid with similar properties. This amino acid position is well conserved in available vertebrate species. In addition, in silico predictors for this gene do not accurately predict pathogenicity. Missense alterations in APC are not a common cause of disease (Spier I et al. Genet Med. 2024 Feb;26(2):100992). Since supporting evidence is limited at this time, the clinical significance of this alteration remains unclear.

Quest Diagnostics Nichols Institute San Juan Capistrano
Classification: Uncertain significance. Last evaluated: 2025-03-12. Review status: criteria provided, single submitter. Criteria: Quest Diagnostics criteria. Collection method: clinical testing. Allele origin: unknown.
Comment: The APC c.5108G>C (p.Gly1703Ala) variant has been reported in the published literature in a cohort of healthy individuals under the age of 50 (PMID: 24728327 (2014)). The frequency of this variant in the general population (Genome Aggregation Database) is uninformative in the assessment of its pathogenicity. Analysis of this variant using bioinformatics tools for the prediction of the effect of amino acid changes on protein structure and function yielded predictions that this variant is benign. Based on the available information, we are unable to determine the clinical significance of this variant.

Baylor Genetics
Classification: Uncertain significance for Familial adenomatous polyposis 1. Last evaluated: 2024-02-28. Review status: criteria provided, single submitter. Criteria: ACMG Guidelines, 2015. Collection method: clinical testing. Allele origin: unknown.

All of Us Research Program, National Institutes of Health
Classification: Uncertain significance for Classic or attenuated familial adenomatous polyposis. Last evaluated: 2023-07-10. Review status: criteria provided, single submitter. Criteria: ACMG Guidelines, 2015. Collection method: clinical testing. Allele origin: germline. Inheritance: Autosomal dominant inheritance. Observed: 2 variant alleles, 2 heterozygotes.
Comment: This missense variant replaces glycine with alanine at codon 1703 of the APC protein. Computational prediction suggests that this variant may not impact protein structure and function (internally defined REVEL score threshold <= 0.5, PMID: 27666373). To our knowledge, functional studies have not been reported for this variant. This variant has not been reported in individuals affected with APC-related disorders in the literature. This variant has been identified in 1/249570 chromosomes in the general population by the Genome Aggregation Database (gnomAD). The available evidence is insufficient to determine the role of this variant in disease conclusively. Therefore, this variant is classified as a Variant of Uncertain Significance.

This study involves interpretation of variants in research participants for the purpose of population health screening. Participant phenotype was not available at the time of variant classification. Additional details can be found in publication PMID: 35346344, PMCID: PMC8962531

Color Diagnostics, LLC DBA Color Health
Classification: Uncertain significance for Hereditary cancer-predisposing syndrome. Last evaluated: 2023-06-21. Review status: criteria provided, single submitter. Criteria: ACMG Guidelines, 2015. Collection method: clinical testing. Allele origin: germline.
Comment: This missense variant replaces glycine with alanine at codon 1703 of the APC protein. Computational prediction suggests that this variant may not impact protein structure and function (internally defined REVEL score threshold <= 0.5, PMID: 27666373). To our knowledge, functional studies have not been reported for this variant. This variant has not been reported in individuals affected with APC-related disorders in the literature. This variant has been identified in 1/249570 chromosomes in the general population by the Genome Aggregation Database (gnomAD). The available evidence is insufficient to determine the role of this variant in disease conclusively. Therefore, this variant is classified as a Variant of Uncertain Significance.

GeneDx
Classification: Uncertain significance. Last evaluated: 2023-05-19. Review status: criteria provided, single submitter. Criteria: GeneDx Variant Classification Process June 2021. Collection method: clinical testing. Allele origin: germline. Affected: yes.
Comment: Not observed at significant frequency in large population cohorts (gnomAD); In silico analysis supports that this missense variant does not alter protein structure/function; Identified in healthy individuals undergoing whole genome sequencing (Bodian et al., 2014); This variant is associated with the following publications: (PMID: 28230015, 18199528, 24728327)

Myriad Genetics, Inc.
Classification: Uncertain significance for Familial adenomatous polyposis 1. Last evaluated: 2023-02-21. Review status: criteria provided, single submitter. Criteria: Myriad Autosomal Dominant, Autosomal Recessive and X-Linked Classification Criteria (2023). Collection method: clinical testing. Allele origin: unknown.
Comment: This variant is classified as a variant of uncertain significance as there is insufficient evidence to determine its impact on protein function and/or cancer risk.

Sema4
Classification: Uncertain significance for Hereditary cancer-predisposing syndrome. Last evaluated: 2021-11-22. Review status: criteria provided, single submitter. Criteria: Sema4 Curation Guidelines. Collection method: curation. Allele origin: germline.
Comment: The APC c.5108G>C (p.G1703A) variant has been reported in at least one individual from an ancestrally diverse healthy population (PMID: 24728327). It was observed in 1/249570 chromosomes in the large and broad cohorts of the Genome Aggregation Database (PMID: 32461654). This variant has been reported in ClinVar (Variation ID: 133532). In silico tools suggest the impact of the variant on protein function is inconclusive, though these predictions have not been confirmed by functional studies. The overall evidence is insufficient to meet ACMG/AMP criteria for classifying it as benign or pathogenic. In summary, the clinical significance of this variant is currently uncertain.

Mendelics
Classification: Uncertain significance for Familial adenomatous polyposis 1. Last evaluated: 2019-05-28. Review status: criteria provided, single submitter. Criteria: Mendelics Assertion Criteria 2017. Collection method: clinical testing. Allele origin: unknown.

Counsyl
Classification: Uncertain significance for Familial adenomatous polyposis 1. Last evaluated: 2018-04-17. Review status: no assertion criteria provided. Collection method: clinical testing. Allele origin: unknown. Not counted in ClinVar's aggregate classification.

ITMI
No classification provided. Condition: AllHighlyPenetrant. Last evaluated: 2013-09-19. Review status: no classification provided. Collection method: reference population. Allele origin: germline. Not counted in ClinVar's aggregate classification.
Comment: Please see associated publication for description of ethnicities

Literature cited by the submitters: PubMed 24728327 (cited by 4 submitters).